The following is an entry in ClinVar:

NM_001258392.3(CLPB):c.1571G>A (p.Arg524Gln)

Gene: CLPB (ClpB family mitochondrial disaggregase; minus strand). Cytogenetic location: 11q13.4.
Variant type: single nucleotide variant.
Coding change: c.1571G>A on transcript NM_001258392.3 (MANE Select); coding-DNA position 1571, G replaced by A.
Protein change: p.Arg524Gln; replaces arginine 524 with glutamine.
Molecular consequence: missense variant.
Genome position (GRCh38, 1-based): chr11:72,294,434, C>T on the plus strand (G>A on the coding strand, the complement: CLPB is on the minus strand). VCF-style: chr11-72294434-C-T. GRCh37 (hg19) VCF-style: chr11-72005478-C-T.
Other names: c.1484G>A, p.Arg495Gln (NM_001258393.3); c.1526G>A, p.Arg509Gln (NM_001258394.3); c.1661G>A, p.Arg554Gln (NM_030813.6); c.1661G>A (NM_030813.3); short protein forms R554Q, R524Q, R509Q, R495Q.
Identifiers: ClinVar variation 509662 (VCV000509662.14), dbSNP rs576652298, ClinGen allele CA6171108.

ClinVar aggregate classification (germline): Benign/Likely benign. Review status: criteria provided, multiple submitters, no conflicts (2 of 4 stars). 4 submissions from 4 submitters: Benign (1); Likely benign (2). 1 of the submissions does not count toward it. Last evaluated 2025-12-26.

Conditions:
Inborn genetic diseases. Identifiers: MedGen C0950123, MeSH D030342.
CLPB-related disorder. Also called: CLPB-related condition.
3-methylglutaconic aciduria, type VIIB (MGCA7B). Also called: 3-methylglutaconic aciduria, type VII, with cataracts, neurologic involvement and neutropenia; CLPB Deficiency; 3-methylglutaconic aciduria with cataracts, neurologic involvement and neutropenia. Identifiers: Orphanet 445038, MedGen C5676893, MONDO:0014561, OMIM 616271.

Allele frequency attached by ClinVar (database versions not stated): gnomAD 0.00003 and 0.00015; TOPMed 0.00004; gnomAD exomes 0.00027 and 0.00048; ExAC 0.00050; 1000 Genomes Project 0.00060; 1000 Genomes Project 30x 0.00062.
gnomAD v4.1: 430 of 1,614,148 alleles (0.027%); highest among the groups gnomAD compares: South Asian, 0.38%; 4 homozygotes.

Submissions (4):

Labcorp Genetics (formerly Invitae), Labcorp
Classification: Benign for 3-methylglutaconic aciduria, type VIIB. Last evaluated: 2025-12-26. Review status: criteria provided, single submitter. Criteria: Invitae Variant Classification Sherloc (09022015). Collection method: clinical testing. Allele origin: germline.

Ambry Genetics
Classification: Likely benign for Inborn genetic diseases. Last evaluated: 2023-05-04. Review status: criteria provided, single submitter. Criteria: Ambry Variant Classification Scheme 2023. Collection method: clinical testing. Allele origin: germline.

GeneDx
Classification: Likely benign. Last evaluated: 2017-12-28. Review status: criteria provided, single submitter. Criteria: GeneDx Variant Classification (06012015). Collection method: clinical testing. Allele origin: germline. Affected: yes.
Comment: This variant is considered likely benign or benign based on one or more of the following criteria: it is a conservative change, it occurs at a poorly conserved position in the protein, it is predicted to be benign by multiple in silico algorithms, and/or has population frequency not consistent with disease.

PreventionGenetics, part of Exact Sciences
Classification: Likely benign for CLPB-related condition. Last evaluated: 2022-04-21. Review status: no assertion criteria provided. Collection method: clinical testing. Allele origin: germline. Not counted in ClinVar's aggregate classification.
Comment: This variant is classified as likely benign based on ACMG/AMP sequence variant interpretation guidelines (Richards et al. 2015 PMID: 25741868, with internal and published modifications).